The following is an entry in ClinVar:

ClinVar aggregate classification (germline): Uncertain significance (1 of 4 stars; one submission).

Allele frequency attached by ClinVar (database versions not stated): gnomAD exomes below 0.00001; ExAC 0.00001.
gnomAD v4.1: 3 of 1,606,830 alleles (0.00019%); highest among the groups gnomAD compares: Admixed American, 0.0017%; no homozygotes.

Submission:

Labcorp Genetics (formerly Invitae), Labcorp
Classification: Uncertain significance. Last evaluated: 2023-10-13. Review status: criteria provided, single submitter. Criteria: Invitae Variant Classification Sherloc (09022015). Collection method: clinical testing. Allele origin: germline.
Comment: This sequence change replaces methionine, which is neutral and non-polar, with valine, which is neutral and non-polar, at codon 667 of the HPS5 protein (p.Met667Val). The frequency data for this variant in the population databases is considered unreliable, as metrics indicate poor data quality at this position in the gnomAD database. This variant has not been reported in the literature in individuals affected with HPS5-related conditions. ClinVar contains an entry for this variant (Variation ID: 1350480). Algorithms developed to predict the effect of missense changes on protein structure and function output the following: SIFT: "Not Available"; PolyPhen-2: "Benign"; Align-GVGD: "Not Available". The valine amino acid residue is found in multiple mammalian species, which suggests that this missense change does not adversely affect protein function. In summary, the available evidence is currently insufficient to determine the role of this variant in disease. Therefore, it has been classified as a Variant of Uncertain Significance.

NM_181507.2(HPS5):c.1999A>G (p.Met667Val)

Gene: HPS5 (HPS5 biogenesis of lysosomal organelles complex 2 subunit 2; minus strand). Cytogenetic location: 11p15.1.
Variant type: single nucleotide variant.
Coding change: c.1999A>G on transcript NM_181507.2 (MANE Select); coding-DNA position 1999, A replaced by G.
Protein change: p.Met667Val; replaces methionine 667 with valine.
Molecular consequence: missense variant.
Genome position (GRCh38, 1-based): chr11:18,291,883, T>C on the plus strand (A>G on the coding strand, the complement: HPS5 is on the minus strand). VCF-style: chr11-18291883-T-C. GRCh37 (hg19) VCF-style: chr11-18313430-T-C.
Other names: c.1657A>G, p.Met553Val (NM_007216.4, NM_181508.2); short protein forms M667V, M553V.
Identifiers: ClinVar variation 1350480 (VCV001350480.8), dbSNP rs769356274, ClinGen allele CA5909944.